The following is an entry in ClinVar:

NM_000255.4(MMUT):c.262G>A (p.Val88Met)

Gene: MMUT (methylmalonyl-CoA mutase; minus strand). Cytogenetic location: 6p12.3.
Variant type: single nucleotide variant.
Coding change: c.262G>A on transcript NM_000255.4 (MANE Select); coding-DNA position 262, G replaced by A.
Protein change: p.Val88Met; replaces valine 88 with methionine.
Molecular consequence: missense variant.
Genome position (GRCh38, 1-based): chr6:49,459,205, C>T on the plus strand (G>A on the coding strand, the complement: MMUT is on the minus strand). VCF-style: chr6-49459205-C-T. GRCh37 (hg19) VCF-style: chr6-49426918-C-T.
Other names: short protein forms V88M.
Identifiers: ClinVar variation 2160360 (VCV002160360.1), dbSNP rs776085460, ClinGen allele CA3847148.

ClinVar aggregate classification (germline): Uncertain significance (1 of 4 stars; one submission).

Allele frequency attached by ClinVar (database versions not stated): gnomAD 0.00001; ExAC 0.00002; gnomAD exomes 0.00002; TOPMed 0.00002.
gnomAD v4.1: 13 of 1,614,090 alleles (0.00081%); highest among the groups gnomAD compares: Admixed American, 0.01%; no homozygotes.

Submission:

Labcorp Genetics (formerly Invitae), Labcorp
Classification: Uncertain significance. Last evaluated: 2022-08-23. Review status: criteria provided, single submitter. Criteria: Invitae Variant Classification Sherloc (09022015). Collection method: clinical testing. Allele origin: germline.
Comment: This sequence change replaces valine, which is neutral and non-polar, with methionine, which is neutral and non-polar, at codon 88 of the MUT protein (p.Val88Met). This variant is present in population databases (rs776085460, gnomAD 0.01%). This variant has not been reported in the literature in individuals affected with MUT-related conditions. Algorithms developed to predict the effect of missense changes on protein structure and function output the following: SIFT: "Deleterious"; PolyPhen-2: "Benign"; Align-GVGD: "Class C0". The methionine amino acid residue is found in multiple mammalian species, which suggests that this missense change does not adversely affect protein function. In summary, the available evidence is currently insufficient to determine the role of this variant in disease. Therefore, it has been classified as a Variant of Uncertain Significance.